The following is an entry in ClinVar:

ClinVar aggregate classification (germline): Conflicting classifications of pathogenicity. Review status: criteria provided, conflicting classifications (1 of 4 stars). 2 submissions from 1 submitter: Uncertain significance (1); Benign (1). Last evaluated 2018-01-13.

Conditions:
Spondyloepimetaphyseal dysplasia, Missouri type. Identifiers: Orphanet 1040, Orphanet 93356, MedGen C1865832, MONDO:0011198, OMIM 602111.
Metaphyseal anadysplasia. Also called: Early-onset regressive form of metaphyseal dysplasia. Identifiers: Orphanet 1040, MedGen C0432226, MONDO:0015177.

Allele frequency attached by ClinVar (database versions not stated): gnomAD 0.00003 and 0.00001; 1000 Genomes Project 30x 0.00031; TOPMed 0.00003; 1000 Genomes Project 0.00040.
gnomAD v4.1: 4 of 152,354 alleles (0.0026%); highest among the groups gnomAD compares: East Asian, 0.077%; no homozygotes.

Submissions (2):

Illumina Laboratory Services, Illumina
Classification: Benign for Metaphyseal anadysplasia. Last evaluated: 2018-01-13. Review status: criteria provided, single submitter. Criteria: ICSL Variant Classification Criteria 13 December 2019. Collection method: clinical testing. Allele origin: germline.
Comment: This variant was observed in the ICSL laboratory as part of a predisposition screen in an ostensibly healthy population. It had not been previously curated by ICSL or reported in the Human Gene Mutation Database (HGMD: prior to June 1st, 2018), and was therefore a candidate for classification through an automated scoring system. Utilizing variant allele frequency, disease prevalence and penetrance estimates, and inheritance mode, an automated score was calculated to assess if this variant is too frequent to cause the disease. Based on the score and internal cut-off values, a variant classified as benign is not then subjected to further curation. The score for this variant resulted in a classification of benign for this disease.

Illumina Laboratory Services, Illumina
Classification: Uncertain significance for Spondyloepimetaphyseal dysplasia, Missouri type. Last evaluated: 2018-01-13. Review status: criteria provided, single submitter. Criteria: ICSL Variant Classification Criteria 13 December 2019. Collection method: clinical testing. Allele origin: germline.

NM_002427.4(MMP13):c.*1219A>C

Gene: MMP13 (matrix metallopeptidase 13; minus strand). Cytogenetic location: 11q22.2.
Variant type: single nucleotide variant.
Coding change: c.*1219A>C on transcript NM_002427.4 (MANE Select); 1219 bases downstream of the stop codon, A replaced by C.
Molecular consequence: 3 prime UTR variant.
Genome position (GRCh38, 1-based): chr11:102,943,047, T>G on the plus strand (A>C on the coding strand, the complement: MMP13 is on the minus strand). VCF-style: chr11-102943047-T-G. GRCh37 (hg19) VCF-style: chr11-102813776-T-G.
Identifiers: ClinVar variation 301958 (VCV000301958.5), dbSNP rs188511209, ClinGen allele CA10637270.